The following is an entry in ClinVar:

NM_017534.6(MYH2):c.3082A>C (p.Lys1028Gln)

Genes: MYH2 (myosin heavy chain 2; minus strand), MYHAS (myosin heavy chain gene cluster antisense RNA; plus strand). Cytogenetic location: 17p13.1.
Variant type: single nucleotide variant.
Coding change: c.3082A>C on transcript NM_017534.6 (MANE Select); coding-DNA position 3082, A replaced by C.
Protein change: p.Lys1028Gln; replaces lysine 1028 with glutamine.
Molecular consequence: missense variant.
Genome position (GRCh38, 1-based): chr17:10,529,599, T>G on the plus strand (A>C on the coding strand, the complement: MYH2 is on the minus strand). VCF-style: chr17-10529599-T-G. GRCh37 (hg19) VCF-style: chr17-10432916-T-G.
Other names: c.3082A>C, p.Lys1028Gln (NM_001100112.2); short protein forms K1028Q.
Identifiers: ClinVar variation 4692874 (VCV004692874.1).

ClinVar aggregate classification (germline): Uncertain significance (1 of 4 stars; one submission).

Conditions:
Myopathy, proximal, and ophthalmoplegia (CMYO6). Also called: INCLUSION BODY MYOPATHY 3, AUTOSOMAL DOMINANT; MYOPATHY WITH CONGENITAL JOINT CONTRACTURES, OPHTHALMOPLEGIA, AND RIMMED VACUOLES; CONGENITAL MYOPATHY 6 WITH OPHTHALMOPLEGIA. Identifiers: Orphanet 363677, Orphanet 79091, MedGen C1854106, MONDO:0011577, OMIM 605637.

gnomAD v4.1: 1 of 1,614,184 alleles (0.000062%); highest among the groups gnomAD compares: Non-Finnish European, 0.000085%; no homozygotes.

Submission:

Labcorp Genetics (formerly Invitae), Labcorp
Classification: Uncertain significance for Myopathy, proximal, and ophthalmoplegia. Last evaluated: 2025-03-05. Review status: criteria provided, single submitter. Criteria: Invitae Variant Classification Sherloc (09022015). Collection method: clinical testing. Allele origin: germline.
Comment: This sequence change replaces lysine, which is basic and polar, with glutamine, which is neutral and polar, at codon 1028 of the MYH2 protein (p.Lys1028Gln). This variant is not present in population databases (gnomAD no frequency). This variant has not been reported in the literature in individuals affected with MYH2-related conditions. Invitae Evidence Modeling of protein sequence and biophysical properties (such as structural, functional, and spatial information, amino acid conservation, physicochemical variation, residue mobility, and thermodynamic stability) indicates that this missense variant is expected to disrupt MYH2 protein function with a positive predictive value of 80%. In summary, the available evidence is currently insufficient to determine the role of this variant in disease. Therefore, it has been classified as a Variant of Uncertain Significance.